The following is an entry in ClinVar:

NM_001142966.3(GREB1L):c.3328G>A (p.Asp1110Asn)

Gene: GREB1L (GREB1 like retinoic acid receptor coactivator; plus strand). Cytogenetic location: 18q11.1.
Variant type: single nucleotide variant.
Coding change: c.3328G>A on transcript NM_001142966.3 (MANE Select); coding-DNA position 3328, G replaced by A.
Protein change: p.Asp1110Asn; replaces aspartic acid 1110 with asparagine.
Molecular consequence: missense variant.
Genome position (GRCh38, 1-based): chr18:21,496,635, G>A. VCF-style: chr18-21496635-G-A. GRCh37 (hg19) VCF-style: chr18-19076596-G-A.
Other names: c.3457G>A, p.Asp1153Asn (NM_001410867.1); c.3001G>A, p.Asp1001Asn (NM_001410868.1); c.3328G>A (NM_001142966.1); short protein forms D1001N, D1153N, D1110N.
Identifiers: ClinVar variation 2044679 (VCV002044679.29), dbSNP rs184926533, ClinGen allele CA8906575.

ClinVar aggregate classification (germline): Benign/Likely benign. Review status: criteria provided, multiple submitters, no conflicts (2 of 4 stars). 3 submissions from 3 submitters: Benign (1); Likely benign (1). 1 of the submissions does not count toward it. Last evaluated 2026-06-01.

Conditions:
GREB1L-related disorder. Also called: GREB1L-related condition.

Allele frequency attached by ClinVar (database versions not stated): 1000 Genomes Project 30x 0.00094; TOPMed 0.00097; 1000 Genomes Project 0.00100; ESP Exome Variant Server 0.00131; gnomAD exomes 0.00168; gnomAD 0.00236.
gnomAD v4.1: 2,716 of 1,551,680 alleles (0.18%); highest among the groups gnomAD compares: Non-Finnish European, 0.12%; 10 homozygotes.

Submissions (3):

CeGaT Center for Human Genetics Tuebingen
Classification: Likely benign. Last evaluated: 2026-06-01. Review status: criteria provided, single submitter. Criteria: CeGaT Center For Human Genetics Tuebingen Variant Classification Criteria Version 2. Collection method: clinical testing. Allele origin: germline. Affected: yes. Observed: 3 variant alleles.
Comment: GREB1L: PP2, BP4, BS1

Labcorp Genetics (formerly Invitae), Labcorp
Classification: Benign. Last evaluated: 2025-11-27. Review status: criteria provided, single submitter. Criteria: Invitae Variant Classification Sherloc (09022015). Collection method: clinical testing. Allele origin: germline.

PreventionGenetics, part of Exact Sciences
Classification: Benign for GREB1L-related condition. Last evaluated: 2020-07-29. Review status: no assertion criteria provided. Collection method: clinical testing. Allele origin: germline. Not counted in ClinVar's aggregate classification.
Comment: This variant is classified as benign based on ACMG/AMP sequence variant interpretation guidelines (Richards et al. 2015 PMID: 25741868, with internal and published modifications).